The following is an entry in ClinVar:

NM_206933.4(USH2A):c.4667T>A (p.Leu1556Ter)

Gene: USH2A (usherin; minus strand). Cytogenetic location: 1q41.
Variant type: single nucleotide variant.
Coding change: c.4667T>A on transcript NM_206933.4 (MANE Select); coding-DNA position 4667, T replaced by A.
Protein change: p.Leu1556Ter; replaces leucine 1556 with a stop codon.
Molecular consequence: nonsense.
Genome position (GRCh38, 1-based): chr1:216,097,174, A>T on the plus strand (T>A on the coding strand, the complement: USH2A is on the minus strand). VCF-style: chr1-216097174-A-T. GRCh37 (hg19) VCF-style: chr1-216270516-A-T.
Other names: short protein forms L1556*.
Identifiers: ClinVar variation 2503081 (VCV002503081.5), dbSNP rs2527835876, ClinGen allele CA344861317.
Genomic context (GRCh38, chr1:216,097,174, plus strand): 5'-TTCTTCAACTGAAGTGCAAAATACTCTTCCTGATTGCCAGGTGATGCTGCAAAGACAATC[A>T]AACCTTCAGGCACTTTTGTTCGAAAGCTGGCCTTAATGCCTGGTAAGACAAGTGTGATCA-3'

ClinVar aggregate classification (germline): Pathogenic. Review status: criteria provided, multiple submitters, no conflicts (2 of 4 stars). 3 submissions from 3 submitters: Pathogenic (3). Last evaluated 2024-08-21.

Conditions:
Usher syndrome. Also called: Usher Syndromes; Usher's syndrome. Identifiers: Orphanet 886, MedGen CN469326, MeSH D052245, MONDO:0019501. Disease mechanism: loss of function.
USH2A-related disorder. Also called: USH2A-related disorders; USH2A-related condition. Identifiers: MedGen CN239332.

Submissions (3):

Myriad Genetics, Inc.
Classification: Pathogenic for USH2A-related disorder. Last evaluated: 2024-08-21. Review status: criteria provided, single submitter. Criteria: Myriad Autosomal Dominant, Autosomal Recessive and X-Linked Classification Criteria (2023). Collection method: clinical testing. Allele origin: unknown.
Comment: NM_206933.2(USH2A):c.4667T>A(L1556*) is expected to be pathogenic in the context of USH2A-related disorders. This variant is predicted to lead to an abnormal or absent protein product due to the creation of a premature termination codon in USH2A, a gene where loss-of-function variants are known to be pathogenic. Please note: this variant was assessed in the context of healthy population screening.

Labcorp Genetics (formerly Invitae), Labcorp
Classification: Pathogenic. Last evaluated: 2023-08-07. Review status: criteria provided, single submitter. Criteria: Invitae Variant Classification Sherloc (09022015). Collection method: clinical testing. Allele origin: germline.
Comment: This sequence change creates a premature translational stop signal (p.Leu1556*) in the USH2A gene. It is expected to result in an absent or disrupted protein product. Loss-of-function variants in USH2A are known to be pathogenic (PMID: 10729113, 10909849, 20507924, 25649381). This variant is not present in population databases (gnomAD no frequency). This variant has not been reported in the literature in individuals affected with USH2A-related conditions. Algorithms developed to predict the effect of sequence changes on RNA splicing suggest that this variant may disrupt the consensus splice site. For these reasons, this variant has been classified as Pathogenic.

SN ONGC Dept of Genetics and Molecular biology Vision Research Foundation
Classification: Pathogenic for Usher syndrome. Last evaluated: 2022-12-31. Review status: criteria provided, single submitter. Criteria: ACMG Guidelines, 2015. Collection method: research. Allele origin: biparental. Affected: yes. Observed: 1 variant allele, 1 homozygote.

Literature cited by the submitters: PubMed 10729113 (cited by Labcorp Genetics (formerly Invitae), Labcorp); PubMed 10909849 (cited by Labcorp Genetics (formerly Invitae), Labcorp); PubMed 20507924 (cited by Labcorp Genetics (formerly Invitae), Labcorp); PubMed 25649381 (cited by Labcorp Genetics (formerly Invitae), Labcorp).